The following is an entry in ClinVar:

ClinVar aggregate classification (germline): Uncertain significance (1 of 4 stars; one submission).

Conditions:
Neuropathy, hereditary sensory and autonomic, type 2A (HSAN2A). Also called: ACROOSTEOLYSIS, GIACCAI TYPE; ACROOSTEOLYSIS, NEUROGENIC; MORVAN DISEASE; NEUROPATHY, CONGENITAL SENSORY; NEUROPATHY, HEREDITARY SENSORY RADICULAR, AUTOSOMAL RECESSIVE; NEUROPATHY, HEREDITARY SENSORY, TYPE IIA. Identifiers: Orphanet 970, MedGen C2752089, MONDO:0024309, OMIM 201300.
Generalized epilepsy with febrile seizures plus, type 7 (GEFSP7). Also called: GEFS+, TYPE 7. Identifiers: Orphanet 36387, MedGen C2751778, MONDO:0013470, OMIM 613863.

Submission:

Labcorp Genetics (formerly Invitae), Labcorp
Classification: Uncertain significance for Neuropathy, hereditary sensory and autonomic, type 2A; Generalized epilepsy with febrile seizures plus, type 7. Last evaluated: 2023-01-29. Review status: criteria provided, single submitter. Criteria: Invitae Variant Classification Sherloc (09022015). Collection method: clinical testing. Allele origin: germline.
Comment: This sequence change replaces isoleucine, which is neutral and non-polar, with methionine, which is neutral and non-polar, at codon 380 of the SCN9A protein (p.Ile380Met). This variant is not present in population databases (gnomAD no frequency). This variant has not been reported in the literature in individuals affected with SCN9A-related conditions. Advanced modeling of protein sequence and biophysical properties (such as structural, functional, and spatial information, amino acid conservation, physicochemical variation, residue mobility, and thermodynamic stability) performed at Invitae indicates that this missense variant is not expected to disrupt SCN9A protein function. In summary, the available evidence is currently insufficient to determine the role of this variant in disease. Therefore, it has been classified as a Variant of Uncertain Significance.

NM_001365536.1(SCN9A):c.1140C>G (p.Ile380Met)

Genes: SCN1A-AS1 (SCN1A and SCN9A antisense RNA 1; plus strand), SCN9A (sodium voltage-gated channel alpha subunit 9; minus strand). Cytogenetic location: 2q24.3.
Variant type: single nucleotide variant.
Coding change: c.1140C>G on transcript NM_001365536.1 (MANE Select); coding-DNA position 1140, C replaced by G.
Protein change: p.Ile380Met; replaces isoleucine 380 with methionine.
Molecular consequence: missense variant.
Genome position (GRCh38, 1-based): chr2:166,288,611, G>C on the plus strand (C>G on the coding strand, the complement: SCN9A is on the minus strand). VCF-style: chr2-166288611-G-C. GRCh37 (hg19) VCF-style: chr2-167145121-G-C.
Other names: c.1140C>G, p.Ile380Met (NM_002977.4); short protein forms I380M.
Identifiers: ClinVar variation 2943713 (VCV002943713.3), dbSNP rs2468048874, ClinGen allele CA349086114.